The following is an entry in ClinVar:

NM_001904.4(CTNNB1):c.729dup (p.Leu244fs)

Genes: CTNNB1 (catenin beta 1; plus strand), LOC126806658 (BRD4-independent group 4 enhancer GRCh37_chr3:41265899-41267098; plus strand). Cytogenetic location: 3p22.1.
Variant type: Duplication.
Coding change: c.729dup on transcript NM_001904.4 (MANE Select); coding-DNA position 729, one base duplicated (G; older notation c.729dupG).
Protein change: p.Leu244fs; shifts the reading frame from leucine 244.
Molecular consequence: frameshift variant.
Genome position (GRCh38, 1-based): chr3:41,225,567, G duplicated. VCF-style (leftmost placement, unchanged base first): chr3-41225566-T-TG. GRCh37 (hg19) VCF-style: chr3-41267057-T-TG.
Other names: c.729dup, p.Leu244fs (NM_001098209.2, NM_001098210.2); c.708dup, p.Leu237fs (NM_001330729.2); short protein forms L237fs, L244fs.
Identifiers: ClinVar variation 2026223 (VCV002026223.4), dbSNP rs2470787474, ClinGen allele CA2580069822.

ClinVar aggregate classification (germline): Pathogenic (1 of 4 stars; one submission).

Submission:

Labcorp Genetics (formerly Invitae), Labcorp
Classification: Pathogenic. Last evaluated: 2024-02-23. Review status: criteria provided, single submitter. Criteria: Invitae Variant Classification Sherloc (09022015). Collection method: clinical testing. Allele origin: germline.
Comment: This sequence change creates a premature translational stop signal (p.Leu244Alafs*27) in the CTNNB1 gene. It is expected to result in an absent or disrupted protein product. Loss-of-function variants in CTNNB1 are known to be pathogenic (PMID: 23033978, 24614104, 25326669, 26350204, 28575650). This variant is not present in population databases (gnomAD no frequency). This variant has not been reported in the literature in individuals affected with CTNNB1-related conditions. ClinVar contains an entry for this variant (Variation ID: 2026223). For these reasons, this variant has been classified as Pathogenic.

Literature cited by the submitters: PubMed 23033978; PubMed 24614104; PubMed 25326669; PubMed 26350204; PubMed 28575650.